The following is an entry in ClinVar:

ClinVar aggregate classification (germline): Uncertain significance (1 of 4 stars; one submission).

Conditions:
Hypertrophic cardiomyopathy 20. Identifiers: MedGen C3151267, MONDO:0013477, OMIM 613876.
Dilated cardiomyopathy 1CC (CMD1CC). Identifiers: Orphanet 154, MedGen C2751084, MONDO:0013147, OMIM 613122.

Allele frequency attached by ClinVar (database versions not stated): TOPMed below 0.00001.

Submission:

Labcorp Genetics (formerly Invitae), Labcorp
Classification: Uncertain significance for Dilated cardiomyopathy 1CC; Hypertrophic cardiomyopathy 20. Last evaluated: 2022-08-23. Review status: criteria provided, single submitter. Criteria: Invitae Variant Classification Sherloc (09022015). Collection method: clinical testing. Allele origin: germline.
Comment: Algorithms developed to predict the effect of sequence changes on RNA splicing suggest that this variant may create or strengthen a splice site. Algorithms developed to predict the effect of missense changes on protein structure and function output the following: SIFT: "Tolerated"; PolyPhen-2: "Benign"; Align-GVGD: "Class C0". The isoleucine amino acid residue is found in multiple mammalian species, which suggests that this missense change does not adversely affect protein function. ClinVar contains an entry for this variant (Variation ID: 1354751). This variant has not been reported in the literature in individuals affected with NEXN-related conditions. This variant is not present in population databases (gnomAD no frequency). This sequence change replaces valine, which is neutral and non-polar, with isoleucine, which is neutral and non-polar, at codon 353 of the NEXN protein (p.Val353Ile). In summary, the available evidence is currently insufficient to determine the role of this variant in disease. Therefore, it has been classified as a Variant of Uncertain Significance.

NM_144573.4(NEXN):c.1057G>A (p.Val353Ile)

Gene: NEXN (nexilin F-actin binding protein; plus strand). Cytogenetic location: 1p31.1.
Variant type: single nucleotide variant.
Coding change: c.1057G>A on transcript NM_144573.4 (MANE Select); coding-DNA position 1057, G replaced by A.
Protein change: p.Val353Ile; replaces valine 353 with isoleucine.
Molecular consequence: missense variant.
Genome position (GRCh38, 1-based): chr1:77,933,285, G>A. VCF-style: chr1-77933285-G-A. GRCh37 (hg19) VCF-style: chr1-78398970-G-A.
Other names: c.865G>A, p.Val289Ile (NM_001172309.2); short protein forms V289I, V353I.
Identifiers: ClinVar variation 1354751 (VCV001354751.6), dbSNP rs982964498, ClinGen allele CA24684065.